The following is an entry in ClinVar:

ClinVar aggregate classification (germline): Uncertain significance (1 of 4 stars; one submission).

Conditions:
Pheochromocytoma. Also called: MAX-Related Hereditary Paraganglioma-Pheochromocytoma Syndrome. Identifiers: Orphanet 29072, MedGen C0031511, MONDO:0008233, OMIM 171300, HP:0002666.
Pheochromocytoma/paraganglioma syndrome 4. Also called: CAROTID BODY TUMORS AND MULTIPLE EXTRAADRENAL PHEOCHROMOCYTOMAS; PARAGANGLIOMA, FAMILIAL MALIGNANT; PARAGANGLIOMAS, HEREDITARY EXTRAADRENAL; PHEOCHROMOCYTOMA, FAMILIAL EXTRAADRENAL; Paragangliomas 4; SDHB-Related Hereditary Paraganglioma-Pheochromocytoma Syndrome (Paragangliomas 4). Identifiers: Orphanet 29072, MedGen C1861848, MONDO:0007273, OMIM 115310.
Gastrointestinal stromal tumor. Also called: Gastrointestinal stromal tumor, somatic; Gastrointestinal stroma tumor. Identifiers: Orphanet 44890, MedGen C0238198, MeSH D046152, MONDO:0011719, OMIM 606764, HP:0100723.

Submission:

Labcorp Genetics (formerly Invitae), Labcorp
Classification: Uncertain significance for Gastrointestinal stromal tumor; Pheochromocytoma/paraganglioma syndrome 4; Pheochromocytoma. Last evaluated: 2024-10-21. Review status: criteria provided, single submitter. Criteria: Invitae Variant Classification Sherloc (09022015). Collection method: clinical testing. Allele origin: germline.
Comment: This sequence change falls in intron 4 of the SDHB gene. It does not directly change the encoded amino acid sequence of the SDHB protein. It affects a nucleotide within the consensus splice site. This variant is not present in population databases (gnomAD no frequency). This variant has not been reported in the literature in individuals affected with SDHB-related conditions. Variants that disrupt the consensus splice site are a relatively common cause of aberrant splicing (PMID: 17576681, 9536098). Algorithms developed to predict the effect of sequence changes on RNA splicing suggest that this variant may disrupt the consensus splice site. In summary, the available evidence is currently insufficient to determine the role of this variant in disease. Therefore, it has been classified as a Variant of Uncertain Significance.

Literature cited by the submitters: PubMed 17576681; PubMed 9536098.

NM_003000.3(SDHB):c.423+5G>T

Gene: SDHB (succinate dehydrogenase complex iron sulfur subunit B; minus strand). Cytogenetic location: 1p36.13.
Variant type: single nucleotide variant.
Coding change: c.423+5G>T on transcript NM_003000.3 (MANE Select); 5 bases into the intron after coding-DNA position 423, G replaced by T.
Molecular consequence: intron variant.
Genome position (GRCh38, 1-based): chr1:17,028,595, C>A on the plus strand (G>T on the coding strand, the complement: SDHB is on the minus strand). VCF-style: chr1-17028595-C-A. GRCh37 (hg19) VCF-style: chr1-17355090-C-A.
Other names: c.369+59G>T (NM_001407361.1).
Identifiers: ClinVar variation 3759483 (VCV003759483.2).